The following is an entry in ClinVar:

ClinVar aggregate classification (germline): Uncertain significance (1 of 4 stars; one submission).

Conditions:
Familial cold autoinflammatory syndrome 3 (FCAS3). Also called: FAMILIAL ATYPICAL COLD URTICARIA; ANTIBODY DEFICIENCY AND IMMUNE DYSREGULATION, PLCG2-ASSOCIATED. Identifiers: Orphanet 300359, MedGen C3280914, MONDO:0013766, OMIM 614468.

Allele frequency attached by ClinVar (database versions not stated): gnomAD exomes below 0.00001; TOPMed below 0.00001; ExAC 0.00001; gnomAD 0.00001; ESP Exome Variant Server 0.00008.
gnomAD v4.1: 2 of 1,613,250 alleles (0.00012%); highest among the groups gnomAD compares: African/African-American, 0.0013%; no homozygotes.

Submission:

Labcorp Genetics (formerly Invitae), Labcorp
Classification: Uncertain significance for Familial cold autoinflammatory syndrome 3. Last evaluated: 2021-06-03. Review status: criteria provided, single submitter. Criteria: Invitae Variant Classification Sherloc (09022015). Collection method: clinical testing. Allele origin: germline.
Comment: This sequence change falls in intron 32 of the PLCG2 gene. It does not directly change the encoded amino acid sequence of the PLCG2 protein, but it affects a nucleotide within the consensus splice site of the intron. This variant is present in population databases (rs377088921, ExAC 0.002%). This variant has not been reported in the literature in individuals with PLCG2-related conditions. Nucleotide substitutions within the consensus splice site are a relatively common cause of aberrant splicing (PMID: 17576681, 9536098). Algorithms developed to predict the effect of sequence changes on RNA splicing suggest that this variant is not likely to affect RNA splicing, but this prediction has not been confirmed by published transcriptional studies. In summary, the available evidence is currently insufficient to determine the role of this variant in disease. Therefore, it has been classified as a Variant of Uncertain Significance.

Literature cited by the submitters: PubMed 17576681; PubMed 9536098.

NM_002661.5(PLCG2):c.3756-3C>T

Gene: PLCG2 (phospholipase C gamma 2; plus strand). Cytogenetic location: 16q23.3.
Variant type: single nucleotide variant.
Coding change: c.3756-3C>T on transcript NM_002661.5 (MANE Select); 3 bases into the intron before coding-DNA position 3756, C replaced by T.
Molecular consequence: intron variant.
Genome position (GRCh38, 1-based): chr16:81,957,953, C>T. VCF-style: chr16-81957953-C-T. GRCh37 (hg19) VCF-style: chr16-81991558-C-T.
Identifiers: ClinVar variation 963245 (VCV000963245.9), dbSNP rs377088921, ClinGen allele CA8194851.